The following is an entry in ClinVar:

ClinVar aggregate classification (germline): Uncertain significance (1 of 4 stars; one submission).

Conditions:
Inborn genetic diseases. Identifiers: MedGen C0950123, MeSH D030342.

Submission:

Ambry Genetics
Classification: Uncertain significance for Inborn genetic diseases. Last evaluated: 2025-04-03. Review status: criteria provided, single submitter. Criteria: Ambry Variant Classification Scheme 2023. Collection method: clinical testing. Allele origin: germline.
Comment: The p.L780F variant (also known as c.2340A>C), located in coding exon 1 of the SAMD9 gene, results from an A to C substitution at nucleotide position 2340. The leucine at codon 780 is replaced by phenylalanine, an amino acid with highly similar properties. This amino acid position is conserved. In addition, the in silico prediction for this alteration is inconclusive. Based on the available evidence, the clinical significance of this variant remains unclear.

NM_017654.4(SAMD9):c.2340A>C (p.Leu780Phe)

Gene: SAMD9 (sterile alpha motif domain containing 9; minus strand). Cytogenetic location: 7q21.2.
Variant type: single nucleotide variant.
Coding change: c.2340A>C on transcript NM_017654.4 (MANE Select); coding-DNA position 2340, A replaced by C.
Protein change: p.Leu780Phe; replaces leucine 780 with phenylalanine.
Molecular consequence: missense variant.
Genome position (GRCh38, 1-based): chr7:93,103,758, T>G on the plus strand (A>C on the coding strand, the complement: SAMD9 is on the minus strand). VCF-style: chr7-93103758-T-G. GRCh37 (hg19) VCF-style: chr7-92733071-T-G.
Other names: c.2340A>C, p.Leu780Phe (NM_001193307.2); short protein forms L780F.
Identifiers: ClinVar variation 3949508 (VCV003949508.1).